The following is an entry in ClinVar:

NC_000023.10:g.(?_100617141)_(100662891_?)dup

Genes: GLA (galactosidase alpha; minus strand), BTK (Bruton tyrosine kinase; minus strand), RPL36A (ribosomal protein L36a; plus strand), RPL36A-HNRNPH2 (RPL36A-HNRNPH2 readthrough; plus strand). Cytogenetic location: Xq22.1.
Variant type: Duplication.
Identifiers: ClinVar variation 2422285 (VCV002422285.5).

ClinVar aggregate classification (germline): Uncertain significance (1 of 4 stars; one submission).

Conditions:
X-linked agammaglobulinemia with growth hormone deficiency (IGHD3). Also called: ISOLATED GROWTH HORMONE DEFICIENCY, TYPE III, WITH AGAMMAGLOBULINEMIA; HYPOGAMMAGLOBULINEMIA AND ISOLATED GROWTH HORMONE DEFICIENCY, X-LINKED; IGHD III; AGAMMAGLOBULINEMIA AND ISOLATED GROWTH HORMONE DEFICIENCY, X-LINKED; FLEISHER SYNDROME; Isolated growth hormone deficiency type 3. Identifiers: Orphanet 231692, Orphanet 631, MedGen C0472813, MONDO:0010615, OMIM 307200.

Submission:

Labcorp Genetics (formerly Invitae), Labcorp
Classification: Uncertain significance for X-linked agammaglobulinemia with growth hormone deficiency. Last evaluated: 2022-01-15. Review status: criteria provided, single submitter. Criteria: Invitae Variant Classification Sherloc (09022015). Collection method: clinical testing. Allele origin: germline.
Comment: Experimental studies and prediction algorithms are not available or were not evaluated, and the functional significance of this variant is currently unknown. This variant has not been reported in the literature in individuals affected with BTK-related conditions. This variant results in a copy number gain of the genomic region encompassing exon(s) 1-7 of the BTK gene. This region includes the initiator codon of the gene. This copy number gain extends beyond the assayed region for this gene and therefore may encompass additional genes. As the precise location of this event is unknown, it may be in tandem or it may be located elsewhere in the genome. In summary, the available evidence is currently insufficient to determine the role of this variant in disease. Therefore, it has been classified as a Variant of Uncertain Significance.